The following is an entry in ClinVar:

ClinVar aggregate classification (germline): Pathogenic (1 of 4 stars; one submission).

Conditions:
Microphthalmia with brain and digit anomalies (MCOPS6). Also called: Microphthalmia, syndromic 6; MICROPHTHALMIA AND PITUITARY ANOMALIES. Identifiers: Orphanet 139471, MedGen C1864689, MONDO:0011936, OMIM 607932.
Orofacial cleft 11 (OFC11). Also called: Orofacial cleft 11; ofc11; CLEFT LIP WITH OR WITHOUT CLEFT PALATE, NONSYNDROMIC, 11. Identifiers: MedGen C2677434, MONDO:0010906, OMIM 600625.

Submission:

Labcorp Genetics (formerly Invitae), Labcorp
Classification: Pathogenic for Microphthalmia with brain and digit anomalies; Orofacial cleft 11. Last evaluated: 2020-03-20. Review status: criteria provided, single submitter. Criteria: Invitae Variant Classification Sherloc (09022015). Collection method: clinical testing. Allele origin: germline.
Comment: This variant is a gross deletion of the genomic region encompassing exon(s) 4 and part of exon 3 of the BMP4 gene (c.251_*414del). While this deletion is not anticipated to result in nonsense mediated decay, it is expected to create a truncated protein product or disrupt mRNA translation. This variant has not been reported in the literature in individuals with BMP4-related conditions. This variant disrupts the C-terminus of the BMP4 protein. Other variant(s) that disrupt this region (p.Arg198*) have been determined to be pathogenic (PMID: 21340693). This suggests that variants that disrupt this region of the protein are likely to be causative of disease. For these reasons, this variant has been classified as Pathogenic.

Literature cited by the submitters: PubMed 21340693.

NC_000014.8:g.(?_54416336)_54418690del

Gene: BMP4 (bone morphogenetic protein 4; minus strand).
Variant type: Deletion.
Identifiers: ClinVar variation 1071168 (VCV001071168.2).